The following is an entry in ClinVar:

NM_018699.4(PRDM5):c.12G>T (p.Met4Ile)

Gene: PRDM5 (PR/SET domain 5; minus strand). Cytogenetic location: 4q27.
Variant type: single nucleotide variant.
Coding change: c.12G>T on transcript NM_018699.4 (MANE Select); coding-DNA position 12, G replaced by T.
Protein change: p.Met4Ile; replaces methionine 4 with isoleucine.
Molecular consequence: missense variant.
Genome position (GRCh38, 1-based): chr4:120,922,597, C>A on the plus strand (G>T on the coding strand, the complement: PRDM5 is on the minus strand). VCF-style: chr4-120922597-C-A. GRCh37 (hg19) VCF-style: chr4-121843752-C-A.
Other names: c.12G>T, p.Met4Ile (NM_001300823.2, NM_001300824.2, NM_001379104.1 and 1 more transcripts); short protein forms M4I.
Identifiers: ClinVar variation 2626690 (VCV002626690.2), dbSNP rs779132191, ClinGen allele CA3061545.

ClinVar aggregate classification (germline): Uncertain significance (1 of 4 stars; one submission).

Conditions:
Cardiovascular phenotype. Identifiers: MedGen CN230736.

Allele frequency attached by ClinVar (database versions not stated): ExAC 0.00001; gnomAD exomes 0.00001; TOPMed 0.00001.
gnomAD v4.1: 9 of 1,607,374 alleles (0.00056%); highest among the groups gnomAD compares: Admixed American, 0.0034%; no homozygotes.

Submission:

Ambry Genetics
Classification: Uncertain significance for Cardiovascular phenotype. Last evaluated: 2023-08-07. Review status: criteria provided, single submitter. Criteria: Ambry Variant Classification Scheme 2023. Collection method: clinical testing. Allele origin: germline.
Comment: The p.M4I variant (also known as c.12G>T), located in coding exon 1 of the PRDM5 gene, results from a G to T substitution at nucleotide position 12. The methionine at codon 4 is replaced by isoleucine, an amino acid with highly similar properties. This amino acid position is conserved. In addition, the in silico prediction for this alteration is inconclusive. Since supporting evidence is limited at this time, the clinical significance of this alteration remains unclear.